The following is an entry in ClinVar:

NM_005045.4(RELN):c.404A>G (p.His135Arg)

Gene: RELN (reelin; minus strand). Cytogenetic location: 7q22.1.
Variant type: single nucleotide variant.
Coding change: c.404A>G on transcript NM_005045.4 (MANE Select); coding-DNA position 404, A replaced by G.
Protein change: p.His135Arg; replaces histidine 135 with arginine.
Molecular consequence: missense variant.
Genome position (GRCh38, 1-based): chr7:103,833,606, T>C on the plus strand (A>G on the coding strand, the complement: RELN is on the minus strand). VCF-style: chr7-103833606-T-C. GRCh37 (hg19) VCF-style: chr7-103474053-T-C.
Other names: c.404A>G, p.His135Arg (NM_173054.3); short protein forms H135R.
Identifiers: ClinVar variation 2431607 (VCV002431607.1), dbSNP rs2485206355, ClinGen allele CA368930792.

ClinVar aggregate classification (germline): Uncertain significance (1 of 4 stars; one submission).

Conditions:
Familial temporal lobe epilepsy 7. Identifiers: Orphanet 101046, MedGen C4225327, MONDO:0014639, OMIM 616436.

Submission:

Laboratorio de Genetica e Diagnostico Molecular, Hospital Israelita Albert Einstein
Classification: Uncertain significance for Familial temporal lobe epilepsy 7. Last evaluated: 2022-08-19. Review status: criteria provided, single submitter. Criteria: ACMG Guidelines, 2015. Collection method: clinical testing. Allele origin: germline. Affected: yes. Observed: 1 variant allele.
Comment: ACMG classification criteria: PM2 moderated, BP4 supporting